The following is an entry in ClinVar:

NM_006086.4(TUBB3):c.1318G>C (p.Asp440His)

Gene: TUBB3 (tubulin beta 3 class III; plus strand). Cytogenetic location: 16q24.3.
Variant type: single nucleotide variant.
Coding change: c.1318G>C on transcript NM_006086.4 (MANE Select); coding-DNA position 1318, G replaced by C.
Protein change: p.Asp440His; replaces aspartic acid 440 with histidine.
Molecular consequence: missense variant.
Genome position (GRCh38, 1-based): chr16:89,935,769, G>C. VCF-style: chr16-89935769-G-C. GRCh37 (hg19) VCF-style: chr16-90002177-G-C.
Other names: c.1102G>C, p.Asp368His (NM_001197181.2); short protein forms D368H, D440H.
Identifiers: ClinVar variation 1039027 (VCV001039027.8), dbSNP rs781596774, ClinGen allele CA397477229.

ClinVar aggregate classification (germline): Uncertain significance (1 of 4 stars; one submission).

Allele frequency attached by ClinVar (database versions not stated): gnomAD 0.00001; TOPMed 0.00003.
gnomAD v4.1: 4 of 1,613,704 alleles (0.00025%); highest among the groups gnomAD compares: African/African-American, 0.0053%; no homozygotes.

Submission:

Labcorp Genetics (formerly Invitae), Labcorp
Classification: Uncertain significance. Last evaluated: 2024-06-12. Review status: criteria provided, single submitter. Criteria: Invitae Variant Classification Sherloc (09022015). Collection method: clinical testing. Allele origin: germline.
Comment: This sequence change replaces aspartic acid, which is acidic and polar, with histidine, which is basic and polar, at codon 440 of the TUBB3 protein (p.Asp440His). This variant is not present in population databases (gnomAD no frequency). This variant has not been reported in the literature in individuals affected with TUBB3-related conditions. ClinVar contains an entry for this variant (Variation ID: 1039027). Advanced modeling of protein sequence and biophysical properties (such as structural, functional, and spatial information, amino acid conservation, physicochemical variation, residue mobility, and thermodynamic stability) has been performed at Invitae for this missense variant, however the output from this modeling did not meet the statistical confidence thresholds required to predict the impact of this variant on TUBB3 protein function. In summary, the available evidence is currently insufficient to determine the role of this variant in disease. Therefore, it has been classified as a Variant of Uncertain Significance.